The following is an entry in ClinVar:

NM_018896.5(CACNA1G):c.5545G>A (p.Val1849Met)

Gene: CACNA1G (calcium voltage-gated channel subunit alpha1 G; plus strand). Cytogenetic location: 17q21.33.
Variant type: single nucleotide variant.
Coding change: c.5545G>A on transcript NM_018896.5 (MANE Select); coding-DNA position 5545, G replaced by A.
Protein change: p.Val1849Met; replaces valine 1849 with methionine.
Molecular consequence: missense variant. On other transcripts: non-coding transcript variant (5).
Genome position (GRCh38, 1-based): chr17:50,618,772, G>A. VCF-style: chr17-50618772-G-A. GRCh37 (hg19) VCF-style: chr17-48696133-G-A.
Other names: c.5491G>A, p.Val1831Met (NM_001256324.2, NM_198386.3); c.5566G>A, p.Val1856Met (NM_001256325.2); c.5410G>A, p.Val1804Met (NM_001256326.2, NM_001256330.2); c.5524G>A, p.Val1842Met (NM_001256327.2); c.5470G>A, p.Val1824Met (NM_001256328.2); c.5443G>A, p.Val1815Met (NM_001256329.2, NM_198376.3, NM_198379.3 and 2 more transcripts); c.5389G>A, p.Val1797Met (NM_001256331.2); c.5374G>A, p.Val1792Met (NM_001256332.2); and 8 more; short protein forms V1811M, V1815M, V1838M, V1842M, V1792M, V1822M, V1849M, V1813M.
Identifiers: ClinVar variation 3484014 (VCV003484014.2).

ClinVar aggregate classification (germline): Conflicting classifications of pathogenicity. Review status: criteria provided, conflicting classifications (1 of 4 stars). 2 submissions from 2 submitters: Likely pathogenic (1); Uncertain significance (1). Last evaluated 2026-03-13.

Conditions:
Inborn genetic diseases. Identifiers: MedGen C0950123, MeSH D030342.

gnomAD v4.1: 1 of 1,613,974 alleles (0.000062%); highest among the groups gnomAD compares: Non-Finnish European, 0.000085%; no homozygotes.

Submissions (2):

GeneDx
Classification: Likely pathogenic. Last evaluated: 2026-03-13. Review status: criteria provided, single submitter. Criteria: GeneDx Variant Classification Process June 2021. Collection method: clinical testing. Allele origin: germline.
Comment: Not observed at significant frequency in large population cohorts (gnomAD); In silico analysis supports that this missense variant has a deleterious effect on protein structure/function; Has not been previously published as pathogenic or benign to our knowledge

Ambry Genetics
Classification: Uncertain significance for Inborn genetic diseases. Last evaluated: 2024-11-25. Review status: criteria provided, single submitter. Criteria: Ambry Variant Classification Scheme 2023. Collection method: clinical testing. Allele origin: germline.